The following is an entry in ClinVar:

ClinVar aggregate classification (germline): Uncertain significance. Review status: criteria provided, multiple submitters, no conflicts (2 of 4 stars). 3 submissions from 3 submitters: Uncertain significance (3). Last evaluated 2025-08-04.

Conditions:
Phosphoribosylpyrophosphate synthetase superactivity. Identifiers: Orphanet 3222, MedGen C1970827, MONDO:0010395, OMIM 300661.
Charcot-Marie-Tooth Neuropathy X. Identifiers: MedGen CN118851.

Allele frequency attached by ClinVar (database versions not stated): gnomAD exomes below 0.00001.
gnomAD v4.1: 1 of 1,211,588 alleles (0.000083%); highest among the groups gnomAD compares: African/African-American, 0.0017%; no homozygotes.

Submissions (3):

Labcorp Genetics (formerly Invitae), Labcorp
Classification: Uncertain significance for Charcot-Marie-Tooth Neuropathy X. Last evaluated: 2025-08-04. Review status: criteria provided, single submitter. Criteria: Invitae Variant Classification Sherloc (09022015). Collection method: clinical testing. Allele origin: germline.
Comment: This sequence change replaces threonine, which is neutral and polar, with isoleucine, which is neutral and non-polar, at codon 166 of the PRPS1 protein (p.Thr166Ile). This variant is not present in population databases (gnomAD no frequency). This variant has not been reported in the literature in individuals affected with PRPS1-related conditions. ClinVar contains an entry for this variant (Variation ID: 1333893). Invitae Evidence Modeling of protein sequence and biophysical properties (such as structural, functional, and spatial information, amino acid conservation, physicochemical variation, residue mobility, and thermodynamic stability) indicates that this missense variant is not expected to disrupt PRPS1 protein function with a negative predictive value of 80%. In summary, the available evidence is currently insufficient to determine the role of this variant in disease. Therefore, it has been classified as a Variant of Uncertain Significance.

GeneDx
Classification: Uncertain significance. Last evaluated: 2024-02-13. Review status: criteria provided, single submitter. Criteria: GeneDx Variant Classification Process June 2021. Collection method: clinical testing. Allele origin: germline. Affected: yes.
Comment: Not observed at significant frequency in large population cohorts (gnomAD); In silico analysis supports that this missense variant does not alter protein structure/function; Has not been previously published as pathogenic or benign to our knowledge

CENTOGENE GmbH and LLC - Guiding Precision Medicine
Classification: Uncertain significance for Phosphoribosylpyrophosphate synthetase superactivity. Last evaluated: 2018-10-15. Review status: criteria provided, single submitter. Criteria: ACMG Guidelines, 2015. Collection method: clinical testing. Allele origin: germline. Affected: yes.

NM_002764.4(PRPS1):c.497C>T (p.Thr166Ile)

Gene: PRPS1 (phosphoribosyl pyrophosphate synthetase 1; plus strand). Cytogenetic location: Xq22.3.
Variant type: single nucleotide variant.
Coding change: c.497C>T on transcript NM_002764.4 (MANE Select); coding-DNA position 497, C replaced by T.
Protein change: p.Thr166Ile; replaces threonine 166 with isoleucine.
Molecular consequence: missense variant. On other transcripts: intron variant (1).
Genome position (GRCh38, 1-based): chrX:107,642,457, C>T. VCF-style: chrX-107642457-C-T. GRCh37 (hg19) VCF-style: chrX-106885687-C-T.
Other names: c.-82-2720C>T (NM_001204402.2); short protein forms T166I.
Identifiers: ClinVar variation 1333893 (VCV001333893.6), dbSNP rs888601981, ClinGen allele CA333057919.
Genomic context (GRCh38, chrX:107,642,457, plus strand): 5'-ATGCAGAGCCGGCTGTCCTAAAGTGGATAAGGGAGAATATCTCTGAGTGGAGGAACTGCA[C>T]TATTGTCTCACCTGATGCTGGTGGAGCTAAGAGGTATGGTTGAAATTAGTATTGTTCCCA-3'
Protein context (NP_002755.1, residues 156-176): RENISEWRNC[Thr166Ile]IVSPDAGGAK